The following is an entry in ClinVar:

ClinVar aggregate classification (germline): Uncertain significance (1 of 4 stars; one submission).

Conditions:
Familial adenomatous polyposis 1 (FAP1). Also called: FAMILIAL ADENOMATOUS POLYPOSIS 1, ATTENUATED; POLYPOSIS, ADENOMATOUS INTESTINAL. Identifiers: MedGen C2713442, MONDO:0021056, OMIM 175100. Disease mechanism: loss of function.

Submission:

Labcorp Genetics (formerly Invitae), Labcorp
Classification: Uncertain significance for Familial adenomatous polyposis 1. Last evaluated: 2025-01-08. Review status: criteria provided, single submitter. Criteria: Invitae Variant Classification Sherloc (09022015). Collection method: clinical testing. Allele origin: germline.
Comment: This variant occurs in a non-coding region of the APC gene. It does not change the encoded amino acid sequence of the APC protein. This variant is not present in population databases (gnomAD no frequency). This variant has not been reported in the literature in individuals affected with APC-related conditions. Experimental studies and prediction algorithms are not available or were not evaluated, and the functional significance of this variant is currently unknown. In summary, the available evidence is currently insufficient to determine the role of this variant in disease. Therefore, it has been classified as a Variant of Uncertain Significance.

NC_000005.10:g.112707419G>A

Gene: APC (APC regulator of Wnt signaling pathway; plus strand). Cytogenetic location: 5q22.2.
Variant type: single nucleotide variant.
Genome position: GRCh38 VCF-style: chr5-112707419-G-A. GRCh37 (hg19) VCF-style: chr5-112043116-G-A.
Identifiers: ClinVar variation 1393822 (VCV001393822.7), dbSNP rs2149628599, ClinGen allele CA2573138755.